The following is an entry in ClinVar:

NM_019112.4(ABCA7):c.4188G>A (p.Pro1396=)

Gene: ABCA7 (ATP binding cassette subfamily A member 7; plus strand). Cytogenetic location: 19p13.3.
Variant type: single nucleotide variant.
Coding change: c.4188G>A on transcript NM_019112.4 (MANE Select); coding-DNA position 4188, G replaced by A.
Protein change: p.Pro1396=; no amino-acid change (proline 1396 retained).
Molecular consequence: synonymous variant.
Genome position (GRCh38, 1-based): chr19:1,055,334, G>A. VCF-style: chr19-1055334-G-A. GRCh37 (hg19) VCF-style: chr19-1055333-G-A.
Identifiers: ClinVar variation 751576 (VCV000751576.5), dbSNP rs141845184, ClinGen allele CA9034359.

ClinVar aggregate classification (germline): Likely benign. Review status: criteria provided, multiple submitters, no conflicts (2 of 4 stars). 2 submissions from 2 submitters: Likely benign (2). Last evaluated 2026-09-01.

Allele frequency attached by ClinVar (database versions not stated): gnomAD exomes 0.00007; ESP Exome Variant Server 0.00008; gnomAD 0.00009 and 0.00011; TOPMed 0.00009; ExAC 0.00010; 1000 Genomes Project 0.00060; 1000 Genomes Project 30x 0.00062.

Submissions (2):

CeGaT Center for Human Genetics Tuebingen
Classification: Likely benign. Last evaluated: 2026-09-01. Review status: criteria provided, single submitter. Criteria: CeGaT Center For Human Genetics Tuebingen Variant Classification Criteria Version 2. Collection method: clinical testing. Allele origin: germline. Affected: yes. Observed: 1 variant allele.
Comment: ABCA7: BP4, BP7

Labcorp Genetics (formerly Invitae), Labcorp
Classification: Likely benign. Last evaluated: 2019-12-31. Review status: criteria provided, single submitter. Criteria: Invitae Variant Classification Sherloc (09022015). Collection method: clinical testing. Allele origin: germline.